The following is an entry in ClinVar:

NM_004655.4(AXIN2):c.1047A>G (p.Leu349=)

Gene: AXIN2 (axin 2; minus strand). Cytogenetic location: 17q24.1.
Variant type: single nucleotide variant.
Coding change: c.1047A>G on transcript NM_004655.4 (MANE Select); coding-DNA position 1047, A replaced by G.
Protein change: p.Leu349=; no amino-acid change (leucine 349 retained).
Molecular consequence: synonymous variant.
Genome position (GRCh38, 1-based): chr17:65,541,467, T>C on the plus strand (A>G on the coding strand, the complement: AXIN2 is on the minus strand). VCF-style: chr17-65541467-T-C. GRCh37 (hg19) VCF-style: chr17-63537585-T-C.
Other names: c.1047A>G (NM_004655.3); c.1047A>G, p.Leu349= (NM_001363813.1).
Identifiers: ClinVar variation 1135254 (VCV001135254.11), dbSNP rs2144499878, ClinGen allele CA501476451.

ClinVar aggregate classification (germline): Benign/Likely benign. Review status: criteria provided, multiple submitters, no conflicts (2 of 4 stars). 3 submissions from 3 submitters: Benign (1); Likely benign (2). Last evaluated 2025-06-10.

Conditions:
Hereditary cancer-predisposing syndrome. Also called: Hereditary neoplastic syndrome; Hereditary Cancer Syndrome; Tumor predisposition; Neoplastic Syndromes, Hereditary. Identifiers: Orphanet 140162, MedGen C0027672, MeSH D009386, MONDO:0015356.
Oligodontia-cancer predisposition syndrome. Also called: TOOTH AGENESIS-COLORECTAL CANCER SYNDROME. Identifiers: Orphanet 300576, MedGen C1837750, MONDO:0012075, OMIM 608615. Disease mechanism: loss of function.

Allele frequency attached by ClinVar (database versions not stated): gnomAD exomes below 0.00001.
gnomAD v4.1: 2 of 1,613,866 alleles (0.00012%); highest among the groups gnomAD compares: Non-Finnish European, 0.00017%; no homozygotes.

Submissions (3):

Labcorp Genetics (formerly Invitae), Labcorp
Classification: Likely benign for Oligodontia-cancer predisposition syndrome. Last evaluated: 2025-06-10. Review status: criteria provided, single submitter. Criteria: Invitae Variant Classification Sherloc (09022015). Collection method: clinical testing. Allele origin: germline.

Myriad Genetics, Inc.
Classification: Benign for Oligodontia-cancer predisposition syndrome. Last evaluated: 2024-06-28. Review status: criteria provided, single submitter. Criteria: Myriad Autosomal Dominant, Autosomal Recessive and X-Linked Classification Criteria (2023). Collection method: clinical testing. Allele origin: unknown.
Comment: This variant is considered benign. This variant is a silent/synonymous amino acid change and it is not expected to impact splicing.

Ambry Genetics
Classification: Likely benign for Hereditary cancer-predisposing syndrome. Last evaluated: 2024-04-20. Review status: criteria provided, single submitter. Criteria: Ambry Variant Classification Scheme 2023. Collection method: clinical testing. Allele origin: germline.